The following is an entry in ClinVar:

ClinVar aggregate classification (germline): Uncertain significance (1 of 4 stars; one submission).

Allele frequency attached by ClinVar (database versions not stated): TOPMed below 0.00001.

Submission:

GeneDx
Classification: Uncertain significance. Last evaluated: 2026-06-16. Review status: criteria provided, single submitter. Criteria: GeneDx Variant Classification Process June 2021. Collection method: clinical testing. Allele origin: germline.
Comment: Not observed at significant frequency in large population cohorts (gnomAD); In silico analysis supports that this missense variant has a deleterious effect on protein structure/function; Has not been previously published as pathogenic or benign to our knowledge

NM_052867.4(NALCN):c.902A>G (p.Tyr301Cys)

Gene: NALCN (sodium leak channel, non-selective; minus strand). Cytogenetic location: 13q33.1.
Variant type: single nucleotide variant.
Coding change: c.902A>G on transcript NM_052867.4 (MANE Select); coding-DNA position 902, A replaced by G.
Protein change: p.Tyr301Cys; replaces tyrosine 301 with cysteine.
Molecular consequence: missense variant.
Genome position (GRCh38, 1-based): chr13:101,292,264, T>C on the plus strand (A>G on the coding strand, the complement: NALCN is on the minus strand). VCF-style: chr13-101292264-T-C. GRCh37 (hg19) VCF-style: chr13-101944615-T-C.
Other names: c.902A>G, p.Tyr301Cys (NM_001350748.2, NM_001350749.2, NM_001350750.2 and 1 more transcripts); short protein forms Y301C.
Identifiers: ClinVar variation 2444658 (VCV002444658.2), dbSNP rs2043582838, ClinGen allele CA388704961.